The following is an entry in ClinVar:

NM_001458.5(FLNC):c.6563C>T (p.Thr2188Met)

Genes: FLNC (filamin C; plus strand), FLNC-AS1 (FLNC antisense RNA 1; minus strand). Cytogenetic location: 7q32.1.
Variant type: single nucleotide variant.
Coding change: c.6563C>T on transcript NM_001458.5 (MANE Select); coding-DNA position 6563, C replaced by T.
Protein change: p.Thr2188Met; replaces threonine 2188 with methionine.
Molecular consequence: missense variant.
Genome position (GRCh38, 1-based): chr7:128,854,052, C>T. VCF-style: chr7-128854052-C-T. GRCh37 (hg19) VCF-style: chr7-128494106-C-T.
Other names: c.6563C>T (NM_001458.4); c.6464C>T, p.Thr2155Met (NM_001127487.2); short protein forms T2155M, T2188M.
Identifiers: ClinVar variation 1510639 (VCV001510639.7), dbSNP rs769574342, ClinGen allele CA4476016.
Genomic context (GRCh38, chr7:128,854,052, plus strand): 5'-TGTCTGCCCAGGAGCGCCTGACACGCACCTTCACACGCAGCAGCCACACCTACACCCGCA[C>T]GGAGCGCACGGAGATCAGCAAGACGCGGGGCGGGGAGACAAAGCGCGAGGTGCGGGTGGA-3'
Protein context (NP_001449.3, residues 2178-2198): FTRSSHTYTR[Thr2188Met]ERTEISKTRG

ClinVar aggregate classification (germline): Conflicting classifications of pathogenicity. Review status: criteria provided, conflicting classifications (1 of 4 stars). 2 submissions from 2 submitters: Uncertain significance (1); Likely benign (1). Last evaluated 2024-07-31.

Conditions:
Cardiovascular phenotype. Identifiers: MedGen CN230736.
Myofibrillar myopathy 5. Also called: Filaminopathy (type); FILAMINOPATHY, AUTOSOMAL DOMINANT. Identifiers: Orphanet 171445, MedGen C1836050, MONDO:0012289, OMIM 609524.
Distal myopathy with posterior leg and anterior hand involvement. Also called: WILLIAMS DISTAL MYOPATHY. Identifiers: Orphanet 63273, MedGen C3279722, MONDO:0013550, OMIM 614065.
Hypertrophic cardiomyopathy 26. Also called: Cardiomyopathy, familial hypertrophic, 26. Identifiers: Orphanet 75249, MedGen C4310749, MONDO:0014883, OMIM 617047.

Allele frequency attached by ClinVar (database versions not stated): ExAC 0.00001; gnomAD exomes 0.00002.
gnomAD v4.1: 16 of 1,613,142 alleles (0.00099%); highest among the groups gnomAD compares: African/African-American, 0.0027%; no homozygotes.

Submissions (2):

Labcorp Genetics (formerly Invitae), Labcorp
Classification: Likely benign for Distal myopathy with posterior leg and anterior hand involvement; Myofibrillar myopathy 5; Hypertrophic cardiomyopathy 26. Last evaluated: 2024-07-31. Review status: criteria provided, single submitter. Criteria: Invitae Variant Classification Sherloc (09022015). Collection method: clinical testing. Allele origin: germline.

Ambry Genetics
Classification: Uncertain significance for Cardiovascular phenotype. Last evaluated: 2022-11-01. Review status: criteria provided, single submitter. Criteria: Ambry Variant Classification Scheme 2023. Collection method: clinical testing. Allele origin: germline.
Comment: The p.T2188M variant (also known as c.6563C>T), located in coding exon 40 of the FLNC gene, results from a C to T substitution at nucleotide position 6563. The threonine at codon 2188 is replaced by methionine, an amino acid with similar properties. This amino acid position is highly conserved in available vertebrate species. In addition, this alteration is predicted to be deleterious by in silico analysis. Since supporting evidence is limited at this time, the clinical significance of this alteration remains unclear.